The following is an entry in ClinVar:

NM_000136.3(FANCC):c.742C>A (p.Pro248Thr)

Genes: AOPEP (aminopeptidase O (putative); plus strand), FANCC (FA complementation group C; minus strand). Cytogenetic location: 9q22.32.
Variant type: single nucleotide variant.
Coding change: c.742C>A on transcript NM_000136.3 (MANE Select); coding-DNA position 742, C replaced by A.
Protein change: p.Pro248Thr; replaces proline 248 with threonine.
Molecular consequence: missense variant.
Genome position (GRCh38, 1-based): chr9:95,135,447, G>T on the plus strand (C>A on the coding strand, the complement: FANCC is on the minus strand). VCF-style: chr9-95135447-G-T. GRCh37 (hg19) VCF-style: chr9-97897729-G-T.
Other names: c.742C>A, p.Pro248Thr (NM_001243743.2, NM_001243744.2); short protein forms P248T.
Identifiers: ClinVar variation 4022399 (VCV004022399.1).

ClinVar aggregate classification (germline): Uncertain significance (1 of 4 stars; one submission).

Conditions:
Hereditary cancer-predisposing syndrome. Also called: Tumor predisposition; Hereditary neoplastic syndrome; Neoplastic Syndromes, Hereditary; Hereditary Cancer Syndrome. Identifiers: Orphanet 140162, MedGen C0027672, MeSH D009386, MONDO:0015356.

Submission:

Ambry Genetics
Classification: Uncertain significance for Hereditary cancer-predisposing syndrome. Last evaluated: 2025-03-24. Review status: criteria provided, single submitter. Criteria: Ambry Variant Classification Scheme 2023. Collection method: clinical testing. Allele origin: germline.
Comment: The p.P248T variant (also known as c.742C>A), located in coding exon 7 of the FANCC gene, results from a C to A substitution at nucleotide position 742. The proline at codon 248 is replaced by threonine, an amino acid with highly similar properties. This amino acid position is conserved. In addition, the in silico prediction for this alteration is inconclusive. Based on the available evidence, the clinical significance of this variant remains unclear.